The following is an entry in ClinVar:

NM_000701.8(ATP1A1):c.2587C>T (p.Leu863=)

Genes: ATP1A1 (ATPase Na+/K+ transporting subunit alpha 1; plus strand), ATP1A1-AS1 (ATP1A1 antisense RNA 1; minus strand). Cytogenetic location: 1p13.1.
Variant type: single nucleotide variant.
Coding change: c.2587C>T on transcript NM_000701.8 (MANE Select); coding-DNA position 2587, C replaced by T.
Protein change: p.Leu863=; no amino-acid change (leucine 863 retained).
Molecular consequence: synonymous variant.
Genome position (GRCh38, 1-based): chr1:116,400,875, C>T. VCF-style: chr1-116400875-C-T. GRCh37 (hg19) VCF-style: chr1-116943497-C-T.
Other names: c.2587C>T, p.Leu863= (NM_001160233.2); c.2494C>T, p.Leu832= (NM_001160234.2); c.2587C>T (NM_000701.7).
Identifiers: ClinVar variation 1582699 (VCV001582699.9), dbSNP rs374765742, ClinGen allele CA1025589.

ClinVar aggregate classification (germline): Likely benign. Review status: criteria provided, multiple submitters, no conflicts (2 of 4 stars). 2 submissions from 2 submitters: Likely benign (2). Last evaluated 2026-01-21.

Conditions:
ATP1A1-related disorder. Also called: ATP1A1-related condition.

Allele frequency attached by ClinVar (database versions not stated): gnomAD exomes 0.00001 and 0.00006; ExAC 0.00007; gnomAD 0.00008 and 0.00009; TOPMed 0.00012; ESP Exome Variant Server 0.00023.
gnomAD v4.1: 33 of 1,614,120 alleles (0.002%); highest among the groups gnomAD compares: East Asian, 0.027%; 1 homozygote.

Submissions (2):

Labcorp Genetics (formerly Invitae), Labcorp
Classification: Likely benign. Last evaluated: 2026-01-21. Review status: criteria provided, single submitter. Criteria: Invitae Variant Classification Sherloc (09022015). Collection method: clinical testing. Allele origin: germline.

PreventionGenetics, part of Exact Sciences
Classification: Likely benign for ATP1A1-related condition. Last evaluated: 2024-11-25. Review status: criteria provided, single submitter. Criteria: ACMG Guidelines, 2015. Collection method: clinical testing. Allele origin: germline.
Comment: This variant is classified as likely benign based on ACMG/AMP sequence variant interpretation guidelines (Richards et al. 2015 PMID: 25741868, with internal and published modifications).